The following is an entry in ClinVar:

NM_000179.3(MSH6):c.136G>A (p.Gly46Arg)

Gene: MSH6 (mutS homolog 6; plus strand). Cytogenetic location: 2p16.3.
Variant type: single nucleotide variant.
Coding change: c.136G>A on transcript NM_000179.3 (MANE Select); coding-DNA position 136, G replaced by A.
Protein change: p.Gly46Arg; replaces glycine 46 with arginine.
Molecular consequence: missense variant. On other transcripts: 5 prime UTR variant (1).
Genome position (GRCh38, 1-based): chr2:47,783,369, G>A. VCF-style: chr2-47783369-G-A. GRCh37 (hg19) VCF-style: chr2-48010508-G-A.
Other names: c.136G>A, p.Gly46Arg (NM_001281492.2); c.-601G>A (NM_001281493.2); short protein forms G46R.
Identifiers: ClinVar variation 219577 (VCV000219577.42), dbSNP rs863224616, ClinGen allele CA348361.

ClinVar aggregate classification (germline): Conflicting classifications of pathogenicity. Review status: criteria provided, conflicting classifications (1 of 4 stars). 9 submissions from 9 submitters: Uncertain significance (7); Benign (1). 1 of the submissions does not count toward it. Last evaluated 2025-08-17.

Conditions:
Hereditary nonpolyposis colorectal neoplasms. Identifiers: MedGen C0009405, MeSH D003123.
Hereditary cancer-predisposing syndrome. Also called: Neoplastic Syndromes, Hereditary; Hereditary Cancer Syndrome; Tumor predisposition; Hereditary neoplastic syndrome. Identifiers: Orphanet 140162, MedGen C0027672, MeSH D009386, MONDO:0015356.
Lynch syndrome 5 (LYNCH5). Also called: Colorectal cancer, hereditary nonpolyposis, type 5; Hereditary non-polyposis colorectal cancer, type 5. Identifiers: Orphanet 144, MedGen C1833477, MONDO:0013710, OMIM 614350. Disease mechanism: loss of function.
Endometrial carcinoma. Also called: Endometrial carcinoma, somatic. Identifiers: MedGen C0476089, MONDO:0002447, OMIM 608089, HP:0012114.
Mismatch repair cancer syndrome 1 (MMRCS1). Also called: MISMATCH REPAIR DEFICIENCY; MMR DEFICIENCY; BRAIN TUMOR-POLYPOSIS SYNDROME 1; BTP1 SYNDROME; CHILDHOOD CANCER SYNDROME. Identifiers: Orphanet 252202, MedGen C5399763, MONDO:0010159, OMIM 276300. Disease mechanism: loss of function.
Lynch syndrome. Identifiers: Orphanet 144, MedGen C4552100, MONDO:0005835. Disease mechanism: loss of function.

Allele frequency attached by ClinVar (database versions not stated): gnomAD 0.00001; TOPMed 0.00001.
gnomAD v4.1: 10 of 1,602,096 alleles (0.00062%); highest among the groups gnomAD compares: Non-Finnish European, 0.00077%; no homozygotes.

Submissions (9):

Labcorp Genetics (formerly Invitae), Labcorp
Classification: Benign for Hereditary nonpolyposis colorectal neoplasms. Last evaluated: 2025-08-17. Review status: criteria provided, single submitter. Criteria: Invitae Variant Classification Sherloc (09022015). Collection method: clinical testing. Allele origin: germline.

Color Diagnostics, LLC DBA Color Health
Classification: Uncertain significance for Hereditary cancer-predisposing syndrome. Last evaluated: 2025-06-23. Review status: criteria provided, single submitter. Criteria: ACMG Guidelines, 2015. Collection method: clinical testing. Allele origin: germline.
Comment: This missense variant replaces glycine with arginine at codon 46 of the MSH6 protein. Computational prediction suggests that this variant may not impact protein structure and function. To our knowledge, functional studies have not been reported for this variant. This variant has been reported in an individual with suspected Lynch syndrome with tumor showing no loss of MSH6 expression (PMID: 22495361). This variant has not been identified in the general population by the Genome Aggregation Database (gnomAD). The available evidence is insufficient to determine the role of this variant in disease conclusively. Therefore, this variant is classified as a Variant of Uncertain Significance.

CeGaT Center for Human Genetics Tuebingen
Classification: Uncertain significance. Last evaluated: 2025-01-01. Review status: criteria provided, single submitter. Criteria: CeGaT Center For Human Genetics Tuebingen Variant Classification Criteria Version 2. Collection method: clinical testing. Allele origin: germline. Affected: yes. Observed: 1 variant allele.

Ambry Genetics
Classification: Uncertain significance for Hereditary cancer-predisposing syndrome. Last evaluated: 2024-11-08. Review status: criteria provided, single submitter. Criteria: Ambry Variant Classification Scheme 2023. Collection method: clinical testing. Allele origin: germline.

GeneDx
Classification: Uncertain significance. Last evaluated: 2023-09-06. Review status: criteria provided, single submitter. Criteria: GeneDx Variant Classification Process June 2021. Collection method: clinical testing. Allele origin: germline. Affected: yes.
Comment: Not observed at significant frequency in large population cohorts (gnomAD); In silico analysis supports that this missense variant does not alter protein structure/function; Observed in an individual with colon cancer, whose tumor displayed normal mismatch repair immunohistochemistry (Okkels et al., 2012); This variant is associated with the following publications: (PMID: 22495361)

All of Us Research Program, National Institutes of Health
Classification: Uncertain significance for Lynch syndrome. Last evaluated: 2023-04-10. Review status: criteria provided, single submitter. Criteria: ACMG Guidelines, 2015. Collection method: clinical testing. Allele origin: germline. Inheritance: Autosomal dominant inheritance. Observed: 1 variant allele, 1 heterozygote.
Comment: This missense variant replaces glycine with arginine at codon 46 of the MSH6 protein. Computational prediction suggests that this variant may not impact protein structure and function (internally defined REVEL score threshold <= 0.5, PMID: 27666373). To our knowledge, functional studies have not been reported for this variant. This variant has been reported in an individual affected with Hereditary nonpolyposis colorectal cancer (PMID: 22495361). This variant has not been identified in the general population by the Genome Aggregation Database (gnomAD). The available evidence is insufficient to determine the role of this variant in disease conclusively. Therefore, this variant is classified as a Variant of Uncertain Significance.

This study involves interpretation of variants in research participants for the purpose of population health screening. Participant phenotype was not available at the time of variant classification. Additional details can be found in publication PMID: 35346344, PMCID: PMC8962531

Myriad Genetics, Inc.
Classification: Uncertain significance for Lynch syndrome 5. Last evaluated: 2023-03-28. Review status: criteria provided, single submitter. Criteria: Myriad Autosomal Dominant, Autosomal Recessive and X-Linked Classification Criteria (2023). Collection method: clinical testing. Allele origin: unknown.
Comment: This variant is classified as a variant of uncertain significance as there is insufficient evidence to determine its impact on protein function and/or cancer risk.

Fulgent Genetics
Classification: Uncertain significance for Mismatch repair cancer syndrome 1; Endometrial carcinoma; Lynch syndrome 5. Last evaluated: 2018-10-31. Review status: criteria provided, single submitter. Criteria: ACMG Guidelines, 2015. Collection method: clinical testing. Allele origin: unknown.

Counsyl
Classification: Uncertain significance for Lynch syndrome 5. Last evaluated: 2018-04-06. Review status: no assertion criteria provided. Collection method: clinical testing. Allele origin: unknown. Not counted in ClinVar's aggregate classification.

Literature cited by the submitters: PubMed 22495361 (cited by 3 submitters).